The following is an entry in ClinVar:

ClinVar aggregate classification (germline): Likely pathogenic. Review status: criteria provided, multiple submitters, no conflicts (2 of 4 stars). 2 submissions from 2 submitters: Likely pathogenic (2). Last evaluated 2024-03-25.

Conditions:
Factor XIII, A subunit, deficiency of. Also called: Factor XIII subunit A deficiency. Identifiers: Orphanet 331, MedGen C2750514, MONDO:0013187, OMIM 613225, HP:0040233.

Allele frequency attached by ClinVar (database versions not stated): gnomAD exomes below 0.00001.
gnomAD v4.1: 1 of 1,614,044 alleles (0.000062%); no homozygotes.

Submissions (2):

Genomic Medicine Center of Excellence, King Faisal Specialist Hospital and Research Centre
Classification: Likely pathogenic for Factor XIII, A subunit, deficiency of. Last evaluated: 2024-03-25. Review status: criteria provided, single submitter. Criteria: ACMG Guidelines, 2015. Collection method: research. Allele origin: germline.

Human Genetics Section, Sidra Medicine
Classification: Likely pathogenic for Factor XIII, A subunit, deficiency of. Last evaluated: 2024-02-28. Review status: criteria provided, single submitter. Criteria: ACMG Guidelines, 2015. Collection method: research. Allele origin: germline. Affected: yes. Observed: 1 variant allele.
Comment: This variant is not present in population databases (gnomAD no frequency). Missense variant is predicted to be damaging by multiple in silico tools or highly conserved with amino acid change. Clinically accredited laboratory assay for Factor XIII shows low level 9.0% (reference range 64.0-133.0). The variant appears to be damaging, but no functional data to validate the variant for that reason we classify the variant as likely pathogenic

NM_000129.4(F13A1):c.820G>C (p.Gly274Arg)

Gene: F13A1 (coagulation factor XIII A chain; minus strand). Cytogenetic location: 6p25.1.
Variant type: single nucleotide variant.
Coding change: c.820G>C on transcript NM_000129.4 (MANE Select); coding-DNA position 820, G replaced by C.
Protein change: p.Gly274Arg; replaces glycine 274 with arginine.
Molecular consequence: missense variant.
Genome position (GRCh38, 1-based): chr6:6,224,839, C>G on the plus strand (G>C on the coding strand, the complement: F13A1 is on the minus strand). VCF-style: chr6-6224839-C-G. GRCh37 (hg19) VCF-style: chr6-6225072-C-G.
Other names: short protein forms G274R.
Identifiers: ClinVar variation 3028895 (VCV003028895.4), dbSNP rs2480618478, ClinGen allele CA362740178.
Genomic context (GRCh38, chr6:6,224,839, plus strand): 5'-TCCAGGCCGATGGGGGGACGCCATAGGCATAGATATTGTCCCAGGATCCAACGAGGACAC[C>G]TTCGTCATCTTTGGCATTCACCTAAATGAGTCCGTGAGAAGTGAGAAGGAAGAAAGTTCA-3'
Protein context (NP_000120.2, residues 264-284): SAMVNAKDDE[Gly274Arg]VLVGSWDNIY